The following is an entry in ClinVar:

NM_001077415.3(CRELD1):c.1033A>C (p.Lys345Gln)

Gene: CRELD1 (CRELD disulfide isomerase 1; plus strand). Cytogenetic location: 3p25.3.
Variant type: single nucleotide variant.
Coding change: c.1033A>C on transcript NM_001077415.3 (MANE Select); coding-DNA position 1033, A replaced by C.
Protein change: p.Lys345Gln; replaces lysine 345 with glutamine.
Molecular consequence: missense variant. On other transcripts: non-coding transcript variant (3).
Genome position (GRCh38, 1-based): chr3:9,943,500, A>C. VCF-style: chr3-9943500-A-C. GRCh37 (hg19) VCF-style: chr3-9985184-A-C.
Other names: c.1033A>C, p.Lys345Gln (NM_001374317.1, NM_001374318.1, NM_001410713.1 and 3 more transcripts); c.949A>C, p.Lys317Gln (NM_001374319.1, NM_001374320.1); short protein forms K317Q, K345Q.
Identifiers: ClinVar variation 3898563 (VCV003898563.7).
Genomic context (GRCh38, chr3:9,943,500, plus strand): 5'-GAGGGCGGTTATCGCTGCATCTGTGCCGAGGGCTACAAGCAGATGGAAGGCATCTGTGTG[A>C]AGGAGCAGATCCCAGGTGAGCCCTGGGGCGGGAGAGGGGAGGTCCTCATTCAAAGAGAAG-3'
Protein context (NP_001070883.2, residues 335-355): GYKQMEGICV[Lys345Gln]EQIPESAGFF

ClinVar aggregate classification (germline): Uncertain significance (1 of 4 stars; one submission).

Submission:

CeGaT Center for Human Genetics Tuebingen
Classification: Uncertain significance. Last evaluated: 2025-04-01. Review status: criteria provided, single submitter. Criteria: CeGaT Center For Human Genetics Tuebingen Variant Classification Criteria Version 2. Collection method: clinical testing. Allele origin: germline. Affected: yes. Observed: 1 variant allele.
Comment: CRELD1: PM2